The following is an entry in ClinVar:

NM_000059.4(BRCA2):c.8982_8985dup (p.Leu2996fs)

Gene: BRCA2 (BRCA2 DNA repair associated; plus strand). Cytogenetic location: 13q13.1.
Variant type: Duplication.
Coding change: c.8982_8985dup on transcript NM_000059.4 (MANE Select); coding-DNA positions 8982 to 8985, 4 bases duplicated (AGAT; older notation c.8982_8985dupAGAT).
Protein change: p.Leu2996fs; shifts the reading frame from leucine 2996.
Molecular consequence: frameshift variant.
Genome position (GRCh38, 1-based): chr13:32,379,778-32,379,781, AGAT duplicated. VCF-style (leftmost placement, unchanged base first): chr13-32379777-C-CAGAT. GRCh37 (hg19) VCF-style: chr13-32953914-C-CAGAT.
Other names: c.8982_8985dupAGAT (NM_000059.3); short protein forms L2996fs.
Identifiers: ClinVar variation 548368 (VCV000548368.5), dbSNP rs1555288449, ClinGen allele CA658823621.

ClinVar aggregate classification (germline): Pathogenic. Review status: reviewed by expert panel (3 of 4 stars). 4 submissions from 4 submitters: Pathogenic (1). 3 of the submissions do not count toward it. Last evaluated 2017-12-15.

Conditions:
Familial cancer of breast. Also called: BREAST CANCER, FAMILIAL; Hereditary breast cancer; hereditary breast carcinoma. Identifiers: Orphanet 227535, MedGen C0346153, MONDO:0016419, OMIM 114480. Disease mechanism: loss of function.
Hereditary cancer-predisposing syndrome. Also called: Neoplastic Syndromes, Hereditary; Hereditary neoplastic syndrome; Tumor predisposition; Hereditary Cancer Syndrome. Identifiers: Orphanet 140162, MedGen C0027672, MeSH D009386, MONDO:0015356.
Breast-ovarian cancer, familial, susceptibility to, 2 (BROVCA2). Also called: BRCA2 Hereditary Breast and Ovarian Cancer. Identifiers: Orphanet 145, MedGen C2675520, MONDO:0012933, OMIM 612555. Disease mechanism: loss of function.

Submissions (4):

Evidence-based Network for the Interpretation of Germline Mutant Alleles (ENIGMA)
Classification: Pathogenic for Breast-ovarian cancer, familial, susceptibility to, 2. Last evaluated: 2017-12-15. Review status: reviewed by expert panel. Criteria: ENIGMA BRCA1/2 Classification Criteria (2017-06-29). Collection method: curation. Allele origin: germline. Study: ENIGMA.
Comment: Variant allele predicted to encode a truncated non-functional protein.

Molecular Pathology, Peter Maccallum Cancer Centre
Classification: Pathogenic for Breast-ovarian cancer, familial, susceptibility to, 2. Last evaluated: 2024-08-13. Review status: criteria provided, single submitter. Criteria: ACMG Guidelines, 2015. Collection method: clinical testing. Allele origin: germline. Inheritance: Autosomal dominant inheritance. Not counted in ClinVar's aggregate classification.

Baylor Genetics
Classification: Likely pathogenic for Familial cancer of breast. Last evaluated: 2022-11-01. Review status: criteria provided, single submitter. Criteria: ACMG Guidelines, 2015. Collection method: clinical testing. Allele origin: unknown. Not counted in ClinVar's aggregate classification.

Ambry Genetics
Classification: Pathogenic for Hereditary cancer-predisposing syndrome. Last evaluated: 2021-12-30. Review status: criteria provided, single submitter. Criteria: Ambry Variant Classification Scheme 2023. Collection method: clinical testing. Allele origin: germline. Not counted in ClinVar's aggregate classification.
Comment: The c.8982_8985dupAGAT pathogenic mutation, located in coding exon 22 of the BRCA2 gene, results from a duplication of AGAT at nucleotide position 8982, causing a translational frameshift with a predicted alternate stop codon (p.L2996Rfs*23). This variant is considered to be rare based on population cohorts in the Genome Aggregation Database (gnomAD). This alteration is expected to result in loss of function by premature protein truncation or nonsense-mediated mRNA decay. As such, this alteration is interpreted as a disease-causing mutation.